The following is an entry in ClinVar:

NM_006306.4(SMC1A):c.2710G>A (p.Glu904Lys)

Gene: SMC1A (structural maintenance of chromosomes 1A; minus strand). Cytogenetic location: Xp11.22.
Variant type: single nucleotide variant.
Coding change: c.2710G>A on transcript NM_006306.4 (MANE Select); coding-DNA position 2710, G replaced by A.
Protein change: p.Glu904Lys; replaces glutamic acid 904 with lysine.
Molecular consequence: missense variant.
Genome position (GRCh38, 1-based): chrX:53,396,379, C>T on the plus strand (G>A on the coding strand, the complement: SMC1A is on the minus strand). VCF-style: chrX-53396379-C-T. GRCh37 (hg19) VCF-style: chrX-53423299-C-T.
Other names: c.2644G>A, p.Glu882Lys (NM_001281463.1); short protein forms E882K, E904K.
Identifiers: ClinVar variation 4531331 (VCV004531331.1).

ClinVar aggregate classification (germline): Uncertain significance (1 of 4 stars; one submission).

Conditions:
X-linked complex neurodevelopmental disorder. Identifiers: MedGen CN294807, MONDO:0100148.

gnomAD v4.1: 1 of 1,211,424 alleles (0.000083%); highest among the groups gnomAD compares: Non-Finnish European, 0.00011%; no homozygotes.

Submission:

Victorian Clinical Genetics Services, Murdoch Childrens Research Institute
Classification: Uncertain significance for X-linked complex neurodevelopmental disorder. Last evaluated: 2025-10-25. Review status: criteria provided, single submitter. Criteria: ACMG Guidelines, 2015. Collection method: clinical testing. Allele origin: germline. Affected: yes.
Comment: This variant is classified as VUS-3B. Evidence in support of pathogenic classification: Variant is present in gnomAD <0.001 for a dominant condition (v4: 1 heterozygote(s), 0 homozygote(s), 0 hemizygote(s)); Missense variant in a region that is highly intolerant to missense variation (high constraint region in DECIPHER); Missense variant predicted to be damaging by in silico tool(s) or highly conserved with a major amino acid change. Additional information: Variant is predicted to result in a missense amino acid change from Glu to Lys; This variant is hemizygous; This gene is associated with X-linked disease; Alternative amino acid change(s) at the same position are present in gnomAD (Highest alelle count: v4: 1 heterozygote(s), 0 homozygote(s), 0 hemizygote(s)); This variant has no previous evidence of pathogenicity; No published evidence of segregation with disease has been identified for this variant; No published functional evidence has been identified for this variant; No comparable missense variants have previous evidence for pathogenicity; Loss of function is a known mechanism of disease in this gene and is associated with Cornelia de Lange syndrome 2 (MIM#300590) and developmental and epileptic encephalopathy 85, with or without midline brain defects (MIM#301044). Dominant negative is a suggested mechanism of disease for missense variants (PMID: 17273969, 19701948); Variants in this gene are known to have variable expressivity. There is considerable clinical variability, especially in females. X-inactivation is thought to be one of the causes; however, this gene is known to partially escape X-inactivation (PMID: 40593079).

Literature cited by the submitters: PubMed 17273969; PubMed 40593079; PubMed 19701948.